The following is an entry in ClinVar:

ClinVar aggregate classification (germline): Pathogenic/Likely pathogenic. Review status: criteria provided, multiple submitters, no conflicts (2 of 4 stars). 15 submissions from 14 submitters: Pathogenic (5); Likely pathogenic (9). 1 of the submissions does not count toward it. Last evaluated 2026-04-01.

Conditions:
Cardiovascular phenotype. Identifiers: MedGen CN230736.
KCNQ1-related disorder. Also called: KCNQ1-related condition; KCNQ1-related disorders. Identifiers: MedGen CN239322.
Cardiac arrhythmia. Also called: Arrhythmia; Cardiac rhythm disease. Identifiers: MedGen C0003811, MONDO:0007263, HP:0011675.
Atrial fibrillation, familial, 3 (ATFB3). Identifiers: MedGen C1837014, MONDO:0011857, OMIM 607554.
Long QT syndrome 1 (LQT1). Identifiers: Orphanet 101016, Orphanet 768, MedGen C4551647, MONDO:0100316, OMIM 192500, MONDO:0008646.
Short QT syndrome type 2. Identifiers: Orphanet 51083, MedGen C1865019, MONDO:0012313, OMIM 609621.
Familial long QT syndrome (RWS). Also called: Congenital long QT syndrome; Romano-Ward syndrome; VENTRICULAR FIBRILLATION WITH PROLONGED QT INTERVAL. Identifiers: Orphanet 768, MedGen C1141890, MONDO:0019171.
Long QT syndrome (LQTS). Identifiers: MedGen C0023976, MeSH D008133, MONDO:0002442. Disease mechanism: loss of function. Inheritance: Various modes of inheritance.

Allele frequency attached by ClinVar (database versions not stated): gnomAD exomes 0.00002; gnomAD 0.00001; ExAC 0.00001.
gnomAD v4.1: 26 of 1,610,292 alleles (0.0016%); highest among the groups gnomAD compares: East Asian, 0.0022%; no homozygotes.

Submissions 1 to 9 of 15:

CeGaT Center for Human Genetics Tuebingen
Classification: Likely pathogenic. Last evaluated: 2026-04-01. Review status: criteria provided, single submitter. Criteria: CeGaT Center For Human Genetics Tuebingen Variant Classification Criteria Version 2. Collection method: clinical testing. Allele origin: germline. Affected: yes. Observed: 6 variant alleles.
Comment: KCNQ1: PM1:Strong, PS4:Moderate, PM2:Supporting, PP3

Ambry Genetics
Classification: Likely pathogenic for Cardiovascular phenotype. Last evaluated: 2026-03-09. Review status: criteria provided, single submitter. Criteria: Ambry Variant Classification Scheme 2023. Collection method: clinical testing. Allele origin: germline.
Comment: The c.776G>A (p.R259H) alteration is located in exon 5 (coding exon 5) of the KCNQ1 gene. This alteration results from a G to A substitution at nucleotide position 776, causing the arginine (R) at amino acid position 259 to be replaced by a histidine (H). for autosomal dominant KCNQ1-related long QT syndrome and autosomal recessive KCNQ1-related Jervell and Lange-Nielsen syndrome; however, its clinical significance for autosomal dominant KCNQ1-related short QT syndrome is uncertain. Based on data from gnomAD, the A allele has an overall frequency of 0.002% (5/276234) total alleles studied. The highest observed frequency was 0.004% (1/24184) of African alleles. This variant was reported in individual(s) with features consistent with KCNQ1-related long QT syndrome (Stava, 2024; Millat, 2006; external communication) and in individual(s) with features consistent with KCNQ1-related short QT syndrome (Mazzanti, 2014; Millat, 2006). This amino acid position is highly conserved in available vertebrate species. Based on internal structural analysis, this variant is anticipated to disrupt a region of known function (Kuenze, 2020; Sun, 2017; Tester, 2005; Ambry internal data). Functional studies are conflicting; additional evidence is needed to confirm the impact on channel function (Bains, 2022; Wu, 2015). This alteration is predicted to be deleterious by in silico analysis. Based on the available evidence, this alteration is classified as likely pathogenic.

Labcorp Genetics (formerly Invitae), Labcorp
Classification: Pathogenic for Long QT syndrome. Last evaluated: 2025-12-24. Review status: criteria provided, single submitter. Criteria: Invitae Variant Classification Sherloc (09022015). Collection method: clinical testing. Allele origin: germline.
Comment: This sequence change replaces arginine, which is basic and polar, with histidine, which is basic and polar, at codon 259 of the KCNQ1 protein (p.Arg259His). This variant is present in population databases (rs199472720, gnomAD 0.004%). This missense change has been observed in individuals with long QT syndrome (PMID: 16922724; internal data). This variant has been reported in individual(s) with short QT interval (PMID: 24291113, 26346102); however, the role of the variant in this condition is currently unclear. This variant is also known as c.395G>A (R132H). ClinVar contains an entry for this variant (Variation ID: 53101). Invitae Evidence Modeling of protein sequence and biophysical properties (such as structural, functional, and spatial information, amino acid conservation, physicochemical variation, residue mobility, and thermodynamic stability) has been performed for this missense variant. However, the output from this modeling did not meet the statistical confidence thresholds required to predict the impact of this variant on KCNQ1 protein function. Experimental studies are conflicting or provide insufficient evidence to determine the effect of this variant on KCNQ1 function (PMID: 26346102, 34798354). This variant disrupts the p.Arg259 amino acid residue in KCNQ1. Other variant(s) that disrupt this residue have been determined to be pathogenic (PMID: 11021476, 21350584, 23158531). This suggests that this residue is clinically significant, and that variants that disrupt this residue are likely to be disease-causing. For these reasons, this variant has been classified as Pathogenic.

GeneDx
Classification: Likely pathogenic. Last evaluated: 2025-12-23. Review status: criteria provided, single submitter. Criteria: GeneDx Variant Classification Process June 2021. Collection method: clinical testing. Allele origin: germline. Affected: yes.
Comment: Identified in individuals with short (SQTS) or long QT syndrome (LQTS) and suspected or witnessed sudden cardiac arrest/death referred for genetic testing at GeneDx and in published literature (PMID: 16922724, 24291113, 26346102, 26370830, 29241489, 34076677, 34389451); Not observed at significant frequency in large population cohorts (gnomAD); Published functional studies suggest that p.(R259H) may have a gain-of-function effect associated with QT interval shortening; however, further studies are needed to clarify the functional impact of this variant and its potential role in SQTS or LQTS (PMID: 26346102); In silico analysis supports that this missense variant has a deleterious effect on protein structure/function; This variant is associated with the following publications: (PMID: 28814790, 29759541, 31315195, 19862833, 25974115, 26370830, 30337886, 29021305, 29241489, 26346102, 31447099, 31589614, 34505893, 24291113, 34389451, 16922724, 34076677, 39486665, 40137421, 41278674, 41043906)

Mayo Clinic Laboratories, Mayo Clinic
Classification: Likely pathogenic. Last evaluated: 2025-10-16. Review status: criteria provided, single submitter. Criteria: ACMG Guidelines, 2015. Collection method: clinical testing. Allele origin: germline. Observed: 2 variant alleles.
Comment: PP3, PM5, PS3

Color Diagnostics, LLC DBA Color Health
Classification: Likely pathogenic for Cardiac arrhythmia. Last evaluated: 2025-09-19. Review status: criteria provided, single submitter. Criteria: ACMG Guidelines, 2015. Collection method: clinical testing. Allele origin: germline.
Comment: This missense variant replaces arginine with histidine at codon 259 of the KCNQ1 protein. This variant is found within a highly conserved region of the cytoplasmic linker. Rare nontruncating variants in this region (a.a. 249-261) have been shown to be significantly overrepresented in individuals with long QT syndrome (PMID: 32893267). Functional studies have shown that this variant alters the channel electrophysiological properties by significantly decreasing current density and peak current (PMID: 26346102, 34798354). This variant has been reported in over five individuals affected with long QT syndrome (PMID: 16922724, 34798354, 39073097ClinVar SCV000234416.14), in two individuals affected with short QT syndrome (PMID: 24291113, 26346102) and in one individual with suspected epilepsy (PMID: 31696929). Different missense substitutions at this codon (p.Arg259Cys, p.Arg259Leu) are reported to be disease-causing (ClinVar variation ID: 53100, 53102), indicating the functional and clinical importance of this position. This variant has been identified in 5/271834 chromosomes in the general population by the Genome Aggregation Database (gnomAD). Based on the available evidence, this variant is classified as Likely Pathogenic.

Institute of Human Genetics, University of Leipzig Medical Center
Classification: Pathogenic for Long QT syndrome 1. Last evaluated: 2024-11-19. Review status: criteria provided, single submitter. Criteria: ACMG Guidelines, 2015. Collection method: clinical testing. Allele origin: maternal. Inheritance: Autosomal dominant inheritance. Affected: yes.
Comment: Criteria applied: PS4,PM1,PM5,PS3_SUP,PP3

Dasa
Classification: Pathogenic for KCNQ1-related disorder. Last evaluated: 2022-01-05. Review status: criteria provided, single submitter. Criteria: ACMG Guidelines, 2015. Collection method: clinical testing. Allele origin: germline. Affected: yes. Observed: 1 variant allele.
Comment: The c.776G>A;p.(Arg259His) missense variant has been observed in affected individual(s) and ClinVar contains an entry for this variant (ClinVar ID 53101; PMID: 16922724; 24291113; 26346102) - PS4. Well-established in vitro or in vivo functional studies support a damaging effect on the gene or gene product (PMID: 26346102) - PS3_supporting. The variant is located in a mutational hot spot and/or critical and well-established functional domain (S4-S5 domain; PMID: 16922724) - PM1. The variant is present at low allele frequencies population databases (rs199472720 – gnomAD 0.0001314%; ABraOM no frequency) - PM2_supporting. Pathogenic missense variant in this residue have been reported (ClinVar 53102; 53100; PMID: 11021476, 21350584, 23158531) - PM5. In summary, the currently available evidence indicates that the variant is pathogenic.

Institute of Human Genetics, Clinical Exome/Genome Diagnostics Group, University Hospital Bonn
Classification: Pathogenic for Long QT syndrome 1. Last evaluated: 2021-10-11. Review status: criteria provided, single submitter. Criteria: ACMG Guidelines, 2015. Collection method: clinical testing. Allele origin: germline.
Comment: Incidental finding in clinical exome sequencing. PS1, PS3, PP3

NM_000218.3(KCNQ1):c.776G>A (p.Arg259His)

Gene: KCNQ1 (potassium voltage-gated channel subfamily Q member 1; plus strand). Cytogenetic location: 11p15.5.
Variant type: single nucleotide variant.
Coding change: c.776G>A on transcript NM_000218.3 (MANE Select); coding-DNA position 776, G replaced by A.
Protein change: p.Arg259His; replaces arginine 259 with histidine.
Molecular consequence: missense variant.
Genome position (GRCh38, 1-based): chr11:2,572,105, G>A. VCF-style: chr11-2572105-G-A. GRCh37 (hg19) VCF-style: chr11-2593335-G-A.
Other names: p.R259H:CGC>CAC; c.776G>A (LRG_287t1); c.776G>A, p.Arg259His (NM_001406836.1); c.506G>A, p.Arg169His (NM_001406837.1); c.395G>A, p.Arg132His (NM_181798.2); short protein forms R259H, R132H, R169H.
Identifiers: ClinVar variation 53101 (VCV000053101.55), dbSNP rs199472720, ClinGen allele CA008184.
Genomic context (GRCh38, chr11:2,572,105, plus strand): 5'-TACACGTCGACCGCCAGGGAGGCACCTGGAGGCTCCTGGGCTCCGTGGTCTTCATCCACC[G>A]CCAGGTGGGTGGCCCGGGTTAGGGGTGCGGGGCCCAGGTTGGGGACAGGACGGAGGGAGC-3'
Protein context (NP_000209.2, residues 249-269): RLLGSVVFIH[Arg259His]QELITTLYIG